The following is an entry in ClinVar:

NM_006231.4(POLE):c.4549A>G (p.Thr1517Ala)

Gene: POLE (DNA polymerase epsilon, catalytic subunit; minus strand). Cytogenetic location: 12q24.33.
Variant type: single nucleotide variant.
Coding change: c.4549A>G on transcript NM_006231.4 (MANE Select); coding-DNA position 4549, A replaced by G.
Protein change: p.Thr1517Ala; replaces threonine 1517 with alanine.
Molecular consequence: missense variant.
Genome position (GRCh38, 1-based): chr12:132,643,226, T>C on the plus strand (A>G on the coding strand, the complement: POLE is on the minus strand). VCF-style: chr12-132643226-T-C. GRCh37 (hg19) VCF-style: chr12-133219812-T-C.
Other names: short protein forms T1517A.
Identifiers: ClinVar variation 2662973 (VCV002662973.2), dbSNP rs1161811592, ClinGen allele CA387380266.

ClinVar aggregate classification (germline): Uncertain significance. Review status: criteria provided, multiple submitters, no conflicts (2 of 4 stars). 2 submissions from 2 submitters: Uncertain significance (2). Last evaluated 2024-10-18.

Conditions:
Hereditary cancer-predisposing syndrome. Also called: Tumor predisposition; Hereditary neoplastic syndrome; Neoplastic Syndromes, Hereditary; Hereditary Cancer Syndrome. Identifiers: Orphanet 140162, MedGen C0027672, MeSH D009386, MONDO:0015356.

Allele frequency attached by ClinVar (database versions not stated): TOPMed below 0.00001.

Submissions (2):

Ambry Genetics
Classification: Uncertain significance for Hereditary cancer-predisposing syndrome. Last evaluated: 2024-10-18. Review status: criteria provided, single submitter. Criteria: Ambry Variant Classification Scheme 2023. Collection method: clinical testing. Allele origin: germline.
Comment: The p.T1517A variant (also known as c.4549A>G), located in coding exon 35 of the POLE gene, results from an A to G substitution at nucleotide position 4549. The threonine at codon 1517 is replaced by alanine, an amino acid with similar properties. This amino acid position is conserved. In addition, this alteration is predicted to be tolerated by in silico analysis. Based on the available evidence, the clinical significance of this variant remains unclear.

GeneDx
Classification: Uncertain significance. Last evaluated: 2023-10-25. Review status: criteria provided, single submitter. Criteria: GeneDx Variant Classification Process June 2021. Collection method: clinical testing. Allele origin: germline. Affected: yes.
Comment: Not observed at significant frequency in large population cohorts (gnomAD); In silico analysis supports that this missense variant has a deleterious effect on protein structure/function; Has not been previously published as pathogenic or benign to our knowledge